The following is an entry in ClinVar:

NM_018192.4(P3H2):c.47T>C (p.Leu16Pro)

Genes: P3H2 (prolyl 3-hydroxylase 2; minus strand), LOC123464484 (Sharpr-MPRA regulatory region 10063; plus strand). Cytogenetic location: 3q28.
Variant type: single nucleotide variant.
Coding change: c.47T>C on transcript NM_018192.4 (MANE Select); coding-DNA position 47, T replaced by C.
Protein change: p.Leu16Pro; replaces leucine 16 with proline.
Molecular consequence: missense variant. On other transcripts: intron variant (1).
Genome position (GRCh38, 1-based): chr3:190,120,685, A>G on the plus strand (T>C on the coding strand, the complement: P3H2 is on the minus strand). VCF-style: chr3-190120685-A-G. GRCh37 (hg19) VCF-style: chr3-189838474-A-G.
Other names: c.-64+1518T>C (NM_001134418.2); short protein forms L16P.
Identifiers: ClinVar variation 1476934 (VCV001476934.5), dbSNP rs757762447, ClinGen allele CA2753448.

ClinVar aggregate classification (germline): Uncertain significance (1 of 4 stars; one submission).

Allele frequency attached by ClinVar (database versions not stated): gnomAD 0.00001; gnomAD exomes 0.00003; TOPMed 0.00003.
gnomAD v4.1: 11 of 1,521,714 alleles (0.00072%); highest among the groups gnomAD compares: East Asian, 0.0076%; no homozygotes.

Submission:

Labcorp Genetics (formerly Invitae), Labcorp
Classification: Uncertain significance. Last evaluated: 2025-02-03. Review status: criteria provided, single submitter. Criteria: Invitae Variant Classification Sherloc (09022015). Collection method: clinical testing. Allele origin: germline.
Comment: This sequence change replaces leucine, which is neutral and non-polar, with proline, which is neutral and non-polar, at codon 16 of the P3H2 protein (p.Leu16Pro). This variant is present in population databases (rs757762447, gnomAD 0.01%). This variant has not been reported in the literature in individuals affected with P3H2-related conditions. ClinVar contains an entry for this variant (Variation ID: 1476934). An algorithm developed to predict the effect of missense changes on protein structure and function outputs the following: PolyPhen-2: "Probably Damaging". The proline amino acid residue is found in multiple mammalian species, which suggests that this missense change does not adversely affect protein function. In summary, the available evidence is currently insufficient to determine the role of this variant in disease. Therefore, it has been classified as a Variant of Uncertain Significance.